The following is an entry in ClinVar:

NM_003072.5(SMARCA4):c.4430G>A (p.Ser1477Asn)

Gene: SMARCA4 (SWI/SNF related BAF chromatin remodeling complex subunit ATPase 4; plus strand). Cytogenetic location: 19p13.2.
Variant type: single nucleotide variant.
Coding change: c.4430G>A on transcript NM_003072.5 (MANE Select); coding-DNA position 4430, G replaced by A.
Protein change: p.Ser1477Asn; replaces serine 1477 with asparagine.
Molecular consequence: missense variant. On other transcripts: non-coding transcript variant (1).
Genome position (GRCh38, 1-based): chr19:11,058,260, G>A. VCF-style: chr19-11058260-G-A. GRCh37 (hg19) VCF-style: chr19-11168936-G-A.
Other names: c.4526G>A (NM_001128849.1); c.4430G>A, p.Ser1477Asn (NM_001128844.3); c.4340G>A, p.Ser1447Asn (NM_001128845.2); c.4337G>A, p.Ser1446Asn (NM_001128846.2); c.4331G>A, p.Ser1444Asn (NM_001128847.4, NM_001374457.1); c.4328G>A, p.Ser1443Asn (NM_001128848.2); c.4526G>A, p.Ser1509Asn (NM_001128849.3, NM_001387283.1); short protein forms S1444N, S1477N, S1447N, S1509N, S1443N, S1446N.
Identifiers: ClinVar variation 1500763 (VCV001500763.9), dbSNP rs770592452, ClinGen allele CA9204748.
Genomic context (GRCh38, chr19:11,058,260, plus strand): 5'-GGGGGCTCCCGGGTGGGCGGACTCGGGGGTGATAGCCGCCGGTTCTGCCTTGCAGCAGCA[G>A]TGGACGTCAGCTCAGCGAGGTCTTCATCCAGCTGCCCTCGCGAAAGGAGCTGCCCGAGTA-3'
Protein context (NP_003063.2, residues 1467-1487): DAVIKYKDSS[Ser1477Asn]GRQLSEVFIQ

ClinVar aggregate classification (germline): Uncertain significance. Review status: criteria provided, multiple submitters, no conflicts (2 of 4 stars). 2 submissions from 2 submitters: Uncertain significance (2). Last evaluated 2025-05-10.

Conditions:
Hereditary cancer-predisposing syndrome. Also called: Tumor predisposition; Hereditary neoplastic syndrome; Neoplastic Syndromes, Hereditary; Hereditary Cancer Syndrome. Identifiers: Orphanet 140162, MedGen C0027672, MeSH D009386, MONDO:0015356.
Rhabdoid tumor predisposition syndrome 2 (RTPS2). Identifiers: Orphanet 231108, Orphanet 69077, MedGen C2750074, MONDO:0013224, OMIM 613325.

gnomAD v4.1: 1 of 1,611,778 alleles (0.000062%); highest among the groups gnomAD compares: Non-Finnish European, 0.000085%; no homozygotes.

Submissions (2):

Ambry Genetics
Classification: Uncertain significance for Hereditary cancer-predisposing syndrome. Last evaluated: 2025-05-10. Review status: criteria provided, single submitter. Criteria: Ambry Variant Classification Scheme 2023. Collection method: clinical testing. Allele origin: germline.
Comment: The p.S1509N variant (also known as c.4526G>A), located in coding exon 31 of the SMARCA4 gene, results from a G to A substitution at nucleotide position 4526. The serine at codon 1509 is replaced by asparagine, an amino acid with highly similar properties. This amino acid position is conserved. In addition, this alteration is predicted to be tolerated by in silico analysis. Based on the available evidence, the clinical significance of this variant remains unclear.

Labcorp Genetics (formerly Invitae), Labcorp
Classification: Uncertain significance for Rhabdoid tumor predisposition syndrome 2. Last evaluated: 2021-01-07. Review status: criteria provided, single submitter. Criteria: Invitae Variant Classification Sherloc (09022015). Collection method: clinical testing. Allele origin: germline.
Comment: This variant has not been reported in the literature in individuals with SMARCA4-related conditions. This variant is present in population databases (rs770592452, ExAC 0.002%). This sequence change replaces serine with asparagine at codon 1509 of the SMARCA4 protein (p.Ser1509Asn). The serine residue is highly conserved and there is a small physicochemical difference between serine and asparagine. In summary, the available evidence is currently insufficient to determine the role of this variant in disease. Therefore, it has been classified as a Variant of Uncertain Significance. Algorithms developed to predict the effect of missense changes on protein structure and function (SIFT, PolyPhen-2, Align-GVGD) all suggest that this variant is likely to be tolerated, but these predictions have not been confirmed by published functional studies and their clinical significance is uncertain.